The following is an entry in ClinVar:

ClinVar aggregate classification (germline): Likely benign (0 of 4 stars; one submission).

Conditions:
WDPCP-related disorder. Also called: WDPCP-related condition.

Submission:

PreventionGenetics, part of Exact Sciences
Classification: Likely benign for WDPCP-related condition. Last evaluated: 2023-01-27. Review status: no assertion criteria provided. Collection method: clinical testing. Allele origin: germline.
Comment: This variant is classified as likely benign based on ACMG/AMP sequence variant interpretation guidelines (Richards et al. 2015 PMID: 25741868, with internal and published modifications).

NM_015910.7(WDPCP):c.426T>C (p.Ser142=)

Gene: WDPCP (WD repeat containing planar cell polarity effector; minus strand). Cytogenetic location: 2p15.
Variant type: single nucleotide variant.
Coding change: c.426T>C on transcript NM_015910.7 (MANE Select); coding-DNA position 426, T replaced by C.
Protein change: p.Ser142=; no amino-acid change (serine 142 retained).
Molecular consequence: synonymous variant. On other transcripts: non-coding transcript variant (2).
Genome position (GRCh38, 1-based): chr2:63,439,830, A>G on the plus strand (T>C on the coding strand, the complement: WDPCP is on the minus strand). VCF-style: chr2-63439830-A-G. GRCh37 (hg19) VCF-style: chr2-63666964-A-G.
Other names: c.354T>C, p.Ser118= (NM_001354044.2); c.426T>C, p.Ser142= (NM_001354045.2).
Identifiers: ClinVar variation 3351605 (VCV003351605.1).